The following is an entry in ClinVar:

ClinVar aggregate classification (germline): Pathogenic/Likely pathogenic. Review status: criteria provided, multiple submitters, no conflicts (2 of 4 stars). 5 submissions from 5 submitters: Pathogenic (1); Likely pathogenic (3). 1 of the submissions does not count toward it. Last evaluated 2026-02-25.

Conditions:
Congenital hypotonia, epilepsy, developmental delay, and digital anomalies (CHEDDA). Also called: ATN1-Related Neurodevelopmental Disorder. Identifiers: MedGen C5193125, MONDO:0032781, OMIM 618494.
ATN1-related disorder. Also called: ATN1-related disorders; ATN1-related condition.
Dentatorubral-pallidoluysian atrophy (DRPLA). Also called: HAW RIVER SYNDROME; MYOCLONIC EPILEPSY WITH CHOREOATHETOSIS; ATAXIA, CHOREA, SEIZURES, AND DEMENTIA; Naito Oyanagi disease. Identifiers: Orphanet 101, MedGen C0751781, MONDO:0007435, OMIM 125370.

Submissions (5):

GeneDx
Classification: Pathogenic. Last evaluated: 2026-02-25. Review status: criteria provided, single submitter. Criteria: GeneDx Variant Classification Process June 2021. Collection method: clinical testing. Allele origin: germline.
Comment: In-frame duplication of 2 amino acid(s) in a non-repeat region; Not observed at significant frequency in large population cohorts (gnomAD); This variant is associated with the following publications: (PMID: 34212383, 36251950, 31847883, McGonigle2025[PrePrint])

Dasa
Classification: Likely pathogenic for Congenital hypotonia, epilepsy, developmental delay, and digital anomalies. Last evaluated: 2025-09-23. Review status: criteria provided, single submitter. Criteria: DASA Assertion Criteria. Collection method: clinical testing. Allele origin: germline.
Comment: NM_001940.4(ATN1):c.3188_3193dup (p.Leu1063_His1064dup) is an in-frame duplication predicted to duplicate amino acids from leucine at protein position 1063 through histidine at protein position 1064 without shifting the reading frame. The affected residue or protein region has prior evidence supporting clinical relevance. This variant has been recurrently observed in individuals with ATN1-related disorders (PMID: 34212383; PMID: 36251950; PMID: 31847883). This variant has been reported as a de novo occurrence in an affected individual (PMID: 34212383; PMID: 31847883). Also, this variant is absent from population databases. Based on the currently available evidence, this variant is classified as likely pathogenic.

Blueprint Genetics
Classification: Likely pathogenic for ATN1-related disorders. Last evaluated: 2024-11-25. Review status: criteria provided, single submitter. Criteria: ACMG Guidelines, 2015. Collection method: clinical testing. Allele origin: germline. Affected: yes. Observed: 1 variant allele.

Mendelics
Classification: Likely pathogenic for Dentatorubral-pallidoluysian atrophy. Last evaluated: 2022-05-04. Review status: criteria provided, single submitter. Criteria: Mendelics Assertion Criteria 2019. Collection method: clinical testing. Allele origin: germline.

Sydney Children's Hospital, SCHN
Classification: Likely pathogenic for Congenital hypotonia, epilepsy, developmental delay, and digital anomalies. Last evaluated: 2021-03-13. Review status: no assertion criteria provided. Collection method: clinical testing. Allele origin: de novo. Inheritance: Autosomal dominant inheritance. Affected: yes. Not counted in ClinVar's aggregate classification.

Literature cited by the submitters: PubMed 34212383 (cited by Dasa); PubMed 31847883 (cited by Dasa); PubMed 36251950 (cited by Dasa).

NM_001940.4(ATN1):c.3182TGCACC[3] (p.1061LH[3])

Gene: ATN1 (atrophin 1; plus strand). Cytogenetic location: 12p13.31.
Variant type: Microsatellite.
Coding change: c.3182TGCACC[3] on transcript NM_001940.4 (MANE Select); three copies in a row of the 6-base unit TGCACC starting at c.3182; the reference has two copies in a row; one copy, 6 bases duplicated; also written c.3188_3193dup.
Protein change: p.1061LH[3].
Molecular consequence: inframe insertion.
Genome position (GRCh38, 1-based): chr12:6,939,151-6,939,156, TGCACC duplicated; duplicating any 6 consecutive bases within chr12:6,939,140-6,939,156 gives the same sequence; the position shown is the placement nearest the transcript's 3' end. VCF-style (leftmost placement, unchanged base first): chr12-6939139-C-CGCACCT. GRCh37 (hg19) VCF-style: chr12-7048302-C-CGCACCT.
Other names: c.3188_3193dup (NM_001007026.1, NM_001940.4); c.3182TGCACC[3], p.1061LH[3] (NM_001007026.2); c.3188_3193dupTGCACC (NM_001007026.2).
Identifiers: ClinVar variation 1027368 (VCV001027368.7), dbSNP rs2138219961, ClinGen allele CA2580615130.
Genomic context (GRCh38, chr12:6,939,139, plus strand): 5'-TGGCCCGGCTGCAGATGCTCAATGTGACTCCCCATCACCACCAGCACTCCCACATCCACT[C>CGCACCT]GCACCTGCACCTGCACCAGCAAGATGCTATCCATGCAGGTGAGACCCCTCCTTCCTTGCC-3'